The following is an entry in ClinVar:

NM_018451.5(CPAP):c.779_787del (p.Ser260_Asn262del)

Gene: CPAP (centrosome assembly and centriole elongation protein; minus strand). Cytogenetic location: 13q12.13.
Variant type: Deletion.
Coding change: c.779_787del on transcript NM_018451.5 (MANE Select); coding-DNA positions 779 to 787, 9 bases deleted (CTCCTAATT; older notation c.779_787delCTCCTAATT).
Protein change: p.Ser260_Asn262del.
Molecular consequence: inframe deletion. On other transcripts: non-coding transcript variant (2).
Genome position (GRCh38, 1-based): chr13:24,909,868-24,909,876, AATTAGGAG deleted on the plus strand (CTCCTAATT on the coding strand, the reverse complement: CPAP is on the minus strand); deleting any 9 consecutive bases within chr13:24,909,868-24,909,877 gives the same sequence; the c. name uses the placement nearest the transcript's 3' end. VCF-style (leftmost placement, unchanged base first): chr13-24909867-AAATTAGGAG-A. GRCh37 (hg19) VCF-style: chr13-25484005-AAATTAGGAG-A.
Identifiers: ClinVar variation 1444134 (VCV001444134.3), dbSNP rs1954621427, ClinGen allele CA2079352958.

ClinVar aggregate classification (germline): Uncertain significance (1 of 4 stars; one submission).

Submission:

Labcorp Genetics (formerly Invitae), Labcorp
Classification: Uncertain significance. Last evaluated: 2022-09-27. Review status: criteria provided, single submitter. Criteria: Invitae Variant Classification Sherloc (09022015). Collection method: clinical testing. Allele origin: germline.
Comment: This variant, c.779_787del, results in the deletion of 3 amino acid(s) of the CENPJ protein (p.Ser260_Asn262del), but otherwise preserves the integrity of the reading frame. This variant is not present in population databases (gnomAD no frequency). This variant has not been reported in the literature in individuals affected with CENPJ-related conditions. ClinVar contains an entry for this variant (Variation ID: 1444134). Experimental studies and prediction algorithms are not available or were not evaluated, and the functional significance of this variant is currently unknown. In summary, the available evidence is currently insufficient to determine the role of this variant in disease. Therefore, it has been classified as a Variant of Uncertain Significance.